The following is an entry in ClinVar:

NM_001378778.1(MPDZ):c.2209G>A (p.Gly737Ser)

Gene: MPDZ (multiple PDZ domain crumbs cell polarity complex component; minus strand). Cytogenetic location: 9p23.
Variant type: single nucleotide variant.
Coding change: c.2209G>A on transcript NM_001378778.1 (MANE Select); coding-DNA position 2209, G replaced by A.
Protein change: p.Gly737Ser; replaces glycine 737 with serine.
Molecular consequence: missense variant.
Genome position (GRCh38, 1-based): chr9:13,188,939, C>T on the plus strand (G>A on the coding strand, the complement: MPDZ is on the minus strand). VCF-style: chr9-13188939-C-T. GRCh37 (hg19) VCF-style: chr9-13188938-C-T.
Other names: c.2209G>A, p.Gly737Ser (NM_001261406.2, NM_001261407.2, NM_001330637.2 and 14 more transcripts); c.2209G>A (NM_003829.3); short protein forms G737S.
Identifiers: ClinVar variation 1398803 (VCV001398803.6), dbSNP rs73406290, ClinGen allele CA4987524.

ClinVar aggregate classification (germline): Uncertain significance. Review status: criteria provided, multiple submitters, no conflicts (2 of 4 stars). 2 submissions from 2 submitters: Uncertain significance (2). Last evaluated 2025-04-25.

Conditions:
Inborn genetic diseases. Identifiers: MedGen C0950123, MeSH D030342.

Allele frequency attached by ClinVar (database versions not stated): gnomAD exomes 0.00006 and 0.00002; TOPMed 0.00019; gnomAD 0.00021 and 0.00023; ESP Exome Variant Server 0.00032; ExAC 0.00005; 1000 Genomes Project 0.00040; 1000 Genomes Project 30x 0.00078.
gnomAD v4.1: 67 of 1,613,336 alleles (0.0042%); highest among the groups gnomAD compares: African/African-American, 0.076%; no homozygotes.

Submissions (2):

Ambry Genetics
Classification: Uncertain significance for Inborn genetic diseases. Last evaluated: 2025-04-25. Review status: criteria provided, single submitter. Criteria: Ambry Variant Classification Scheme 2023. Collection method: clinical testing. Allele origin: germline.

Labcorp Genetics (formerly Invitae), Labcorp
Classification: Uncertain significance. Last evaluated: 2024-11-05. Review status: criteria provided, single submitter. Criteria: Invitae Variant Classification Sherloc (09022015). Collection method: clinical testing. Allele origin: germline.
Comment: This sequence change replaces glycine, which is neutral and non-polar, with serine, which is neutral and polar, at codon 737 of the MPDZ protein (p.Gly737Ser). This variant is present in population databases (rs73406290, gnomAD 0.07%). This variant has not been reported in the literature in individuals affected with MPDZ-related conditions. ClinVar contains an entry for this variant (Variation ID: 1398803). An algorithm developed to predict the effect of missense changes on protein structure and function (PolyPhen-2) suggests that this variant is likely to be disruptive. In summary, the available evidence is currently insufficient to determine the role of this variant in disease. Therefore, it has been classified as a Variant of Uncertain Significance.